The following is an entry in ClinVar:

ClinVar aggregate classification (germline): Conflicting classifications of pathogenicity. Review status: criteria provided, conflicting classifications (1 of 4 stars). 2 submissions from 2 submitters: Uncertain significance (1); Likely benign (1). Last evaluated 2022-06-01.

Conditions:
Pitt-Hopkins-like syndrome 2 (PTHSL2). Identifiers: Orphanet 221150, Orphanet 600663, MedGen C3280479, MONDO:0013690, OMIM 614325.

Submissions (2):

CeGaT Center for Human Genetics Tuebingen
Classification: Uncertain significance. Last evaluated: 2022-06-01. Review status: criteria provided, single submitter. Criteria: CeGaT Center For Human Genetics Tuebingen Variant Classification Criteria Version 2. Collection method: clinical testing. Allele origin: germline. Affected: yes. Observed: 1 variant allele.
Comment: NRXN1: PM2, BP4

Labcorp Genetics (formerly Invitae), Labcorp
Classification: Likely benign for Pitt-Hopkins-like syndrome 2. Last evaluated: 2021-12-28. Review status: criteria provided, single submitter. Criteria: Invitae Variant Classification Sherloc (09022015). Collection method: clinical testing. Allele origin: germline.

NM_001330078.2(NRXN1):c.772+1131AGTG[2]

Gene: NRXN1 (neurexin 1; minus strand). Cytogenetic location: 2p16.3.
Variant type: Microsatellite.
Coding change: c.772+1131AGTG[2] on transcript NM_001330078.2 (MANE Select); two copies in a row of the 4-base unit AGTG starting at c.772+1131; the reference has three copies in a row; one copy, 4 bases deleted.
Molecular consequence: intron variant.
Genome position (GRCh38, 1-based): chr2:51,026,360-51,026,363, CACT deleted on the plus strand (AGTG on the coding strand, the reverse complement: NRXN1 is on the minus strand); deleting any 4 consecutive bases within chr2:51,026,360-51,026,371 gives the same sequence; the position shown is the placement nearest the transcript's 3' end. VCF-style (leftmost placement, unchanged base first): chr2-51026359-CCACT-C. GRCh37 (hg19) VCF-style: chr2-51253497-CCACT-C.
Other names: c.772+1131AGTG[2] (NM_001330090.2, NM_001330081.2, NM_001330089.2 and 14 more transcripts).
Identifiers: ClinVar variation 2418382 (VCV002418382.30), ClinGen allele CA2576965071.